The following is an entry in ClinVar:

ClinVar aggregate classification (germline): Benign. Review status: criteria provided, multiple submitters, no conflicts (2 of 4 stars). 4 submissions from 4 submitters: Benign (4). Last evaluated 2026-02-03.

Allele frequency attached by ClinVar (database versions not stated): 1000 Genomes Project 0.19908; 1000 Genomes Project 30x 0.19909; gnomAD exomes 0.20154; ExAC 0.20554; gnomAD 0.22290 and 0.22688; TOPMed 0.23497; ESP Exome Variant Server 0.24320.
gnomAD v4.1: 367,807 of 1,612,712 alleles (23%); highest among the groups gnomAD compares: Middle Eastern, 26%; 43,587 homozygotes.

Submissions (4):

Labcorp Genetics (formerly Invitae), Labcorp
Classification: Benign. Last evaluated: 2026-02-03. Review status: criteria provided, single submitter. Criteria: Invitae Variant Classification Sherloc (09022015). Collection method: clinical testing. Allele origin: germline.

Blueprint Genetics
Classification: Benign. Last evaluated: 2024-11-28. Review status: criteria provided, single submitter. Criteria: ACMG Guidelines, 2015. Collection method: clinical testing. Allele origin: germline.

GeneDx
Classification: Benign. Last evaluated: 2018-04-09. Review status: criteria provided, single submitter. Criteria: GeneDx Variant Classification (06012015). Collection method: clinical testing. Allele origin: germline. Affected: yes.
Comment: This variant is considered likely benign or benign based on one or more of the following criteria: it is a conservative change, it occurs at a poorly conserved position in the protein, it is predicted to be benign by multiple in silico algorithms, and/or has population frequency not consistent with disease.

Breakthrough Genomics
Classification: Benign. Review status: criteria provided, single submitter. Criteria: ACMG Guidelines, 2015. Collection method: not provided. Allele origin: germline. Inheritance: Autosomal recessive inheritance. Affected: yes.

NM_004793.4(LONP1):c.1932C>T (p.Thr644=)

Gene: LONP1 (lon peptidase 1, mitochondrial; minus strand). Cytogenetic location: 19p13.3.
Variant type: single nucleotide variant.
Coding change: c.1932C>T on transcript NM_004793.4 (MANE Select); coding-DNA position 1932, C replaced by T.
Protein change: p.Thr644=; no amino-acid change (threonine 644 retained).
Molecular consequence: synonymous variant. On other transcripts: non-coding transcript variant (1).
Genome position (GRCh38, 1-based): chr19:5,696,135, G>A on the plus strand (C>T on the coding strand, the complement: LONP1 is on the minus strand). VCF-style: chr19-5696135-G-A. GRCh37 (hg19) VCF-style: chr19-5696146-G-A.
Other names: c.1740C>T, p.Thr580= (NM_001276479.2); c.1344C>T, p.Thr448= (NM_001276480.1).
Identifiers: ClinVar variation 676236 (VCV000676236.12), dbSNP rs3745624, ClinGen allele CA9114386.
Genomic context (GRCh38, chr19:5,696,135, plus strand): 5'-CTGGGCCACGTAGCCCGACACGTTGATCATCTCCATACGGTCTCGCAGCGGCTCGGGGAT[G>A]GTGTCCGTGACGTTGGCCGTGCAGATGAACAGCACCTGGGGGCGGCGGCAAGGTGCTGGG-3'
Protein context (NP_004784.2, residues 634-654): LFICTANVTD[Thr644=]IPEPLRDRME